The following is an entry in ClinVar:

ClinVar aggregate classification (germline): Likely benign. Review status: criteria provided, multiple submitters, no conflicts (2 of 4 stars). 2 submissions from 2 submitters: Likely benign (2). Last evaluated 2025-10-14.

Conditions:
Classic or attenuated familial adenomatous polyposis. Identifiers: MedGen CN372698, MONDO:0021057.
Familial adenomatous polyposis 1 (FAP1). Also called: POLYPOSIS, ADENOMATOUS INTESTINAL; FAMILIAL ADENOMATOUS POLYPOSIS 1, ATTENUATED. Identifiers: MedGen C2713442, MONDO:0021056, OMIM 175100. Disease mechanism: loss of function.

Submissions (2):

Labcorp Genetics (formerly Invitae), Labcorp
Classification: Likely benign for Familial adenomatous polyposis 1. Last evaluated: 2025-10-14. Review status: criteria provided, single submitter. Criteria: Invitae Variant Classification Sherloc (09022015). Collection method: clinical testing. Allele origin: germline.

All of Us Research Program, National Institutes of Health
Classification: Likely benign for Classic or attenuated familial adenomatous polyposis. Last evaluated: 2024-03-14. Review status: criteria provided, single submitter. Criteria: ACMG Guidelines, 2015. Collection method: clinical testing. Allele origin: germline. Inheritance: Autosomal dominant inheritance. Observed: 1 variant allele, 1 heterozygote.
Comment: This study involves interpretation of variants in research participants for the purpose of population health screening. Participant phenotype was not available at the time of variant classification. Additional details can be found in publication PMID: 35346344, PMCID: PMC8962531

NM_000038.6(APC):c.730-7_730-6dup

Gene: APC (APC regulator of Wnt signaling pathway; plus strand). Cytogenetic location: 5q22.2.
Variant type: Duplication.
Coding change: c.730-7_730-6dup on transcript NM_000038.6 (MANE Select); 7 bases into the intron before coding-DNA position 730 through 6 bases into the intron before coding-DNA position 730, 2 bases duplicated (TT; older notation c.730-7_730-6dupTT).
Molecular consequence: intron variant.
Genome position (GRCh38, 1-based): chr5:112,801,272-112,801,273, TT duplicated. VCF-style (leftmost placement, unchanged base first): chr5-112801271-C-CTT. GRCh37 (hg19) VCF-style: chr5-112136968-C-CTT.
Other names: c.730-7_730-6dup (NM_001354895.2, NM_001127510.3, NM_001354896.2 and 1 more transcripts); c.760-7_760-6dup (NM_001354897.2, NM_001354902.2); c.676-7_676-6dup (NM_001127511.3); c.655-7_655-6dup (NM_001354898.2, NM_001354904.2); c.-306-7_-306-6dup (NM_001354906.2); c.646-7_646-6dup (NM_001354899.2); c.553-7_553-6dup (NM_001354900.2, NM_001354901.2, NM_001354905.2).
Identifiers: ClinVar variation 1566633 (VCV001566633.9), dbSNP rs2149711240, ClinGen allele CA2573138905.